The following is an entry in ClinVar:

NM_014391.3(ANKRD1):c.364C>T (p.Pro122Ser)

Gene: ANKRD1 (ankyrin repeat domain 1; minus strand). Cytogenetic location: 10q23.31.
Variant type: single nucleotide variant.
Coding change: c.364C>T on transcript NM_014391.3 (MANE Select); coding-DNA position 364, C replaced by T.
Protein change: p.Pro122Ser; replaces proline 122 with serine.
Molecular consequence: missense variant.
Genome position (GRCh38, 1-based): chr10:90,918,954, G>A on the plus strand (C>T on the coding strand, the complement: ANKRD1 is on the minus strand). VCF-style: chr10-90918954-G-A. GRCh37 (hg19) VCF-style: chr10-92678711-G-A.
Other names: short protein forms P122S.
Identifiers: ClinVar variation 1976862 (VCV001976862.5), dbSNP rs756392442, ClinGen allele CA377552346.
Genomic context (GRCh38, chr10:90,918,954, plus strand): 5'-CTGACAAGAATTTTTCTACTACTGGCAGTTTATTCTCCAGAGCAGCCTTCAGAAACGTAG[G>A]CACATCCACAGGTTCCGTCTAAAGCCAAAATAAATAAATATATATATATATATATATATA-3'
Protein context (NP_055206.2, residues 112-132): PEIITEPVDV[Pro122Ser]TFLKAALENK

ClinVar aggregate classification (germline): Uncertain significance (1 of 4 stars; one submission).

Conditions:
ANKRD1-related dilated cardiomyopathy. Identifiers: MedGen CN119551.

Submission:

Labcorp Genetics (formerly Invitae), Labcorp
Classification: Uncertain significance for ANKRD1-related dilated cardiomyopathy. Last evaluated: 2024-02-24. Review status: criteria provided, single submitter. Criteria: Invitae Variant Classification Sherloc (09022015). Collection method: clinical testing. Allele origin: germline.
Comment: This sequence change replaces proline, which is neutral and non-polar, with serine, which is neutral and polar, at codon 122 of the ANKRD1 protein (p.Pro122Ser). This variant is not present in population databases (gnomAD no frequency). This variant has not been reported in the literature in individuals affected with ANKRD1-related conditions. ClinVar contains an entry for this variant (Variation ID: 1976862). Advanced modeling of protein sequence and biophysical properties (such as structural, functional, and spatial information, amino acid conservation, physicochemical variation, residue mobility, and thermodynamic stability) performed at Invitae indicates that this missense variant is not expected to disrupt ANKRD1 protein function with a negative predictive value of 80%. In summary, the available evidence is currently insufficient to determine the role of this variant in disease. Therefore, it has been classified as a Variant of Uncertain Significance.